The following is an entry in ClinVar:

NM_004204.5(PIGQ):c.758G>A (p.Arg253Gln)

Gene: PIGQ (phosphatidylinositol glycan anchor biosynthesis class Q; plus strand). Cytogenetic location: 16p13.3.
Variant type: single nucleotide variant.
Coding change: c.758G>A on transcript NM_004204.5 (MANE Select); coding-DNA position 758, G replaced by A.
Protein change: p.Arg253Gln; replaces arginine 253 with glutamine.
Molecular consequence: missense variant.
Genome position (GRCh38, 1-based): chr16:575,907, G>A. VCF-style: chr16-575907-G-A. GRCh37 (hg19) VCF-style: chr16-625907-G-A.
Other names: c.758G>A (NM_004204.3); c.758G>A, p.Arg253Gln (NM_148920.4); short protein forms R253Q.
Identifiers: ClinVar variation 2960415 (VCV002960415.2), dbSNP rs763729616, ClinGen allele CA7779968.

ClinVar aggregate classification (germline): Uncertain significance. Review status: criteria provided, multiple submitters, no conflicts (2 of 4 stars). 2 submissions from 2 submitters: Uncertain significance (2). Last evaluated 2025-07-09.

Conditions:
Epilepsy. Also called: Seizure disorder. Identifiers: MedGen C0014544, MeSH D004827, MONDO:0005027.

Allele frequency attached by ClinVar (database versions not stated): ExAC 0.00007.

Submissions (2):

GeneDx
Classification: Uncertain significance. Last evaluated: 2025-07-09. Review status: criteria provided, single submitter. Criteria: GeneDx Variant Classification Process June 2021. Collection method: clinical testing. Allele origin: germline. Affected: yes.
Comment: In silico analysis supports that this missense variant has a deleterious effect on protein structure/function; Has not been previously published as pathogenic or benign to our knowledge

Labcorp Genetics (formerly Invitae), Labcorp
Classification: Uncertain significance for Epilepsy. Last evaluated: 2023-09-03. Review status: criteria provided, single submitter. Criteria: Invitae Variant Classification Sherloc (09022015). Collection method: clinical testing. Allele origin: germline.
Comment: In summary, the available evidence is currently insufficient to determine the role of this variant in disease. Therefore, it has been classified as a Variant of Uncertain Significance. An algorithm developed to predict the effect of missense changes on protein structure and function (PolyPhen-2) suggests that this variant is likely to be disruptive. This variant has not been reported in the literature in individuals affected with PIGQ-related conditions. The frequency data for this variant in the population databases is considered unreliable, as metrics indicate poor data quality at this position in the gnomAD database. This sequence change replaces arginine, which is basic and polar, with glutamine, which is neutral and polar, at codon 253 of the PIGQ protein (p.Arg253Gln).